The following is an entry in ClinVar:

NM_001999.4(FBN2):c.4516T>C (p.Cys1506Arg)

Gene: FBN2 (fibrillin 2; minus strand). Cytogenetic location: 5q23.3.
Variant type: single nucleotide variant.
Coding change: c.4516T>C on transcript NM_001999.4 (MANE Select); coding-DNA position 4516, T replaced by C.
Protein change: p.Cys1506Arg; replaces cysteine 1506 with arginine.
Molecular consequence: missense variant.
Genome position (GRCh38, 1-based): chr5:128,318,957, A>G on the plus strand (T>C on the coding strand, the complement: FBN2 is on the minus strand). VCF-style: chr5-128318957-A-G. GRCh37 (hg19) VCF-style: chr5-127654649-A-G.
Other names: short protein forms C1506R.
Identifiers: ClinVar variation 968516 (VCV000968516.9), dbSNP rs1750289332, ClinGen allele CA360750589.

ClinVar aggregate classification (germline): Conflicting classifications of pathogenicity. Review status: criteria provided, conflicting classifications (1 of 4 stars). 2 submissions from 2 submitters: Likely pathogenic (1); Uncertain significance (1). Last evaluated 2024-06-11.

Conditions:
Congenital contractural arachnodactyly (CCA). Also called: BEALS SYNDROME; Arthrogryposis, distal, type 9; Beals-Hecht syndrome. Identifiers: Orphanet 115, MedGen C0220668, MONDO:0007363, OMIM 121050.

Submissions (2):

Labcorp Genetics (formerly Invitae), Labcorp
Classification: Likely pathogenic for Congenital contractural arachnodactyly. Last evaluated: 2024-06-11. Review status: criteria provided, single submitter. Criteria: Invitae Variant Classification Sherloc (09022015). Collection method: clinical testing. Allele origin: germline.
Comment: This sequence change replaces cysteine, which is neutral and slightly polar, with arginine, which is basic and polar, at codon 1506 of the FBN2 protein (p.Cys1506Arg). This variant is not present in population databases (gnomAD no frequency). This variant has not been reported in the literature in individuals affected with FBN2-related conditions. ClinVar contains an entry for this variant (Variation ID: 968516). Advanced modeling of protein sequence and biophysical properties (such as structural, functional, and spatial information, amino acid conservation, physicochemical variation, residue mobility, and thermodynamic stability) performed at Invitae indicates that this missense variant is expected to disrupt FBN2 protein function with a positive predictive value of 80%. This variant affects a cysteine residue located within an epidermal growth factor (EGF)–like domain of the FBN2 protein. Cysteine residues in these domains are involved in the formation of disulfide bridges critical for protein structure and stability (PMID: 3495735, 4750422, 16677079). In addition, missense substitutions within the FBN2 EGF-like domains affecting cysteine residues are overrepresented in patients with congenital contractural arachnodactyly (PMID: 18767143). In summary, the currently available evidence indicates that the variant is pathogenic, but additional data are needed to prove that conclusively. Therefore, this variant has been classified as Likely Pathogenic.

GeneDx
Classification: Uncertain significance. Last evaluated: 2023-05-10. Review status: criteria provided, single submitter. Criteria: GeneDx Variant Classification Process June 2021. Collection method: clinical testing. Allele origin: germline. Affected: yes.
Comment: Has not been previously published as pathogenic or benign to our knowledge; Not observed at significant frequency in large population cohorts (gnomAD); In silico analysis supports that this missense variant has a deleterious effect on protein structure/function

Literature cited by the submitters: PubMed 3495735 (cited by Labcorp Genetics (formerly Invitae), Labcorp); PubMed 4750422 (cited by Labcorp Genetics (formerly Invitae), Labcorp); PubMed 16677079 (cited by Labcorp Genetics (formerly Invitae), Labcorp); PubMed 18767143 (cited by Labcorp Genetics (formerly Invitae), Labcorp).